The following is an entry in ClinVar:

NM_014159.7(SETD2):c.5189C>G (p.Ser1730Cys)

Gene: SETD2 (SET domain containing 2, histone lysine methyltransferase; minus strand). Cytogenetic location: 3p21.31.
Variant type: single nucleotide variant.
Coding change: c.5189C>G on transcript NM_014159.7 (MANE Select); coding-DNA position 5189, C replaced by G.
Protein change: p.Ser1730Cys; replaces serine 1730 with cysteine.
Molecular consequence: missense variant. On other transcripts: non-coding transcript variant (1).
Genome position (GRCh38, 1-based): chr3:47,088,201, G>C on the plus strand (C>G on the coding strand, the complement: SETD2 is on the minus strand). VCF-style: chr3-47088201-G-C. GRCh37 (hg19) VCF-style: chr3-47129691-G-C.
Other names: c.5057C>G, p.Ser1686Cys (NM_001349370.3); short protein forms S1686C, S1730C.
Identifiers: ClinVar variation 4985709 (VCV004985709.1).

ClinVar aggregate classification (germline): Uncertain significance (1 of 4 stars; one submission).

Conditions:
SETD2-related disorder.

gnomAD v4.1: 1 of 1,613,598 alleles (0.000062%); highest among the groups gnomAD compares: South Asian, 0.0011%; no homozygotes.

Submission:

PreventionGenetics, part of Exact Sciences
Classification: Uncertain significance for SETD2-related condition. Last evaluated: 2025-01-24. Review status: criteria provided, single submitter. Criteria: ACMG Guidelines, 2015. Collection method: clinical testing. Allele origin: germline.
Comment: The SETD2 c.5189C>G variant is predicted to result in the amino acid substitution p.Ser1730Cys. To our knowledge, this variant has not been reported in the literature or in a large population database (gnomAD), indicating this variant is rare. At this time, the clinical significance of this variant is uncertain due to the absence of conclusive functional and genetic evidence.